The following is an entry in ClinVar:

ClinVar aggregate classification (germline): Conflicting classifications of pathogenicity. Review status: criteria provided, conflicting classifications (1 of 4 stars). 4 submissions from 4 submitters: Uncertain significance (2); Likely benign (1). 1 of the submissions does not count toward it. Last evaluated 2026-08-01.

Conditions:
Rubinstein-Taybi syndrome (RSTS). Identifiers: Orphanet 783, MedGen C0035934, MONDO:0019188.
CREBBP-related disorder. Also called: CREBBP-related disorders; CREBBP-related condition.

Allele frequency attached by ClinVar (database versions not stated): gnomAD exomes 0.00001; ExAC 0.00003; gnomAD 0.00007; TOPMed 0.00010; ESP Exome Variant Server 0.00015.
gnomAD v4.1: 32 of 1,614,118 alleles (0.002%); highest among the groups gnomAD compares: East Asian, 0.013%; no homozygotes.

Submissions (4):

CeGaT Center for Human Genetics Tuebingen
Classification: Uncertain significance. Last evaluated: 2026-08-01. Review status: criteria provided, single submitter. Criteria: CeGaT Center For Human Genetics Tuebingen Variant Classification Criteria Version 2. Collection method: clinical testing. Allele origin: germline. Affected: yes. Observed: 1 variant allele.
Comment: CREBBP: PP2

Labcorp Genetics (formerly Invitae), Labcorp
Classification: Likely benign for Rubinstein-Taybi syndrome. Last evaluated: 2026-01-12. Review status: criteria provided, single submitter. Criteria: Invitae Variant Classification Sherloc (09022015). Collection method: clinical testing. Allele origin: germline.

Women's Health and Genetics/Laboratory Corporation of America, LabCorp
Classification: Uncertain significance. Last evaluated: 2024-09-16. Review status: criteria provided, single submitter. Criteria: LabCorp Variant Classification Summary - May 2015. Collection method: clinical testing. Allele origin: germline.
Comment: Variant summary: CREBBP c.4844A>G (p.Asn1615Ser) results in a conservative amino acid change located in the CBP/p300-type histone acetyltransferase domain (IPR031162) of the encoded protein sequence. Four of five in-silico tools predict a damaging effect of the variant on protein function. The variant allele was found at a frequency of 4.4e-05 in 249058 control chromosomes (gnomAD). This frequency is not significantly higher than estimated for a pathogenic variant in CREBBP causing Rubinstein-Taybi Syndrome, allowing no conclusion about variant significance. c.4844A>G has been reported in the literature in individuals affected with Ewing's sarcoma (Zheng_2015). The report does not provide unequivocal conclusions about association of the variant with Rubinstein-Taybi Syndrome. To our knowledge, no experimental evidence demonstrating an impact on protein function has been reported. The following publication have been ascertained in the context of this evaluation (PMID: 26580448). ClinVar contains an entry for this variant (Variation ID: 2157896). Based on the evidence outlined above, the variant was classified as uncertain significance.

PreventionGenetics, part of Exact Sciences
Classification: Likely benign for CREBBP-related condition. Last evaluated: 2021-07-16. Review status: no assertion criteria provided. Collection method: clinical testing. Allele origin: germline. Not counted in ClinVar's aggregate classification.
Comment: This variant is classified as likely benign based on ACMG/AMP sequence variant interpretation guidelines (Richards et al. 2015 PMID: 25741868, with internal and published modifications).

Literature cited by the submitters: PubMed 26580448 (cited by Women's Health and Genetics/Laboratory Corporation of America, LabCorp).

NM_004380.3(CREBBP):c.4844A>G (p.Asn1615Ser)

Gene: CREBBP (CREB binding lysine acetyltransferase; minus strand). Cytogenetic location: 16p13.3.
Variant type: single nucleotide variant.
Coding change: c.4844A>G on transcript NM_004380.3 (MANE Select); coding-DNA position 4844, A replaced by G.
Protein change: p.Asn1615Ser; replaces asparagine 1615 with serine.
Molecular consequence: missense variant.
Genome position (GRCh38, 1-based): chr16:3,731,822, T>C on the plus strand (A>G on the coding strand, the complement: CREBBP is on the minus strand). VCF-style: chr16-3731822-T-C. GRCh37 (hg19) VCF-style: chr16-3781823-T-C.
Other names: c.4730A>G, p.Asn1577Ser (NM_001079846.1); c.4844A>G (NM_004380.2); short protein forms N1577S, N1615S.
Identifiers: ClinVar variation 2157896 (VCV002157896.10), dbSNP rs372308925, ClinGen allele CA7869415.